The following is an entry in ClinVar:

ClinVar aggregate classification (germline): Likely pathogenic. Review status: criteria provided, multiple submitters, no conflicts (2 of 4 stars). 5 submissions from 5 submitters: Likely pathogenic (3). 2 of the submissions do not count toward it. Last evaluated 2025-12-30.

Conditions:
USH1C-related disorder. Also called: USH1C-related condition.
Usher syndrome type 1C. Also called: USHER SYNDROME, TYPE I, ACADIAN VARIETY. Identifiers: Orphanet 231169, Orphanet 886, MedGen C1848604, MONDO:0010171, OMIM 276904.
Autosomal recessive nonsyndromic hearing loss 18A. Also called: Deafness, autosomal recessive 18A; DEAFNESS, AUTOSOMAL RECESSIVE 18. Identifiers: Orphanet 90636, MedGen C1865870, MONDO:0011192, OMIM 602092.

Allele frequency attached by ClinVar (database versions not stated): gnomAD exomes below 0.00001; ExAC 0.00001; TOPMed 0.00003; ESP Exome Variant Server 0.00008.
gnomAD v4.1: 2 of 1,614,126 alleles (0.00012%); highest among the groups gnomAD compares: Non-Finnish European, 0.00017%; no homozygotes.

Submissions (5):

PreventionGenetics, part of Exact Sciences
Classification: Likely pathogenic for USH1C-related condition. Last evaluated: 2025-12-30. Review status: criteria provided, single submitter. Criteria: ACMG Guidelines, 2015. Collection method: clinical testing. Allele origin: germline.
Comment: The USH1C c.1020-2A>C variant is predicted to disrupt the AG splice acceptor site and interfere with normal splicing. However, no second variant was found in the USH1C gene and the patient harbored a homozygous likely causative variant in NRL (Maggi et al. 2024. PubMed ID: 39766861). This variant is reported in 0.0062% of alleles in individuals of African descent in gnomAD. Variants that disrupt the consensus splice acceptor site in USH1C are expected to be pathogenic. This variant is interpreted as likely pathogenic.

Labcorp Genetics (formerly Invitae), Labcorp
Classification: Likely pathogenic. Last evaluated: 2024-03-14. Review status: criteria provided, single submitter. Criteria: Invitae Variant Classification Sherloc (09022015). Collection method: clinical testing. Allele origin: germline.
Comment: This sequence change affects an acceptor splice site in intron 12 of the USH1C gene. It is expected to disrupt RNA splicing. Variants that disrupt the donor or acceptor splice site typically lead to a loss of protein function (PMID: 16199547), and loss-of-function variants in USH1C are known to be pathogenic (PMID: 10973247, 17407589, 20301442, 21203349). This variant is not present in population databases (gnomAD no frequency). This variant has not been reported in the literature in individuals affected with USH1C-related conditions. ClinVar contains an entry for this variant (Variation ID: 551676). Algorithms developed to predict the effect of sequence changes on RNA splicing suggest that this variant may disrupt the consensus splice site. In summary, the currently available evidence indicates that the variant is pathogenic, but additional data are needed to prove that conclusively. Therefore, this variant has been classified as Likely Pathogenic.

Baylor Genetics
Classification: Likely pathogenic for Autosomal recessive nonsyndromic hearing loss 18A. Last evaluated: 2023-09-21. Review status: criteria provided, single submitter. Criteria: ACMG Guidelines, 2015. Collection method: clinical testing. Allele origin: unknown.

Natera, Inc.
Classification: Likely pathogenic for Usher syndrome type 1C. Last evaluated: 2020-09-16. Review status: no assertion criteria provided. Collection method: clinical testing. Allele origin: germline. Not counted in ClinVar's aggregate classification.

Counsyl
Classification: Likely pathogenic for Usher syndrome type 1C; Autosomal recessive nonsyndromic hearing loss 18A. Last evaluated: 2017-05-01. Review status: no assertion criteria provided. Collection method: clinical testing. Allele origin: unknown. Not counted in ClinVar's aggregate classification.

Literature cited by the submitters: PubMed 16199547 (cited by Labcorp Genetics (formerly Invitae), Labcorp); PubMed 10973247 (cited by Labcorp Genetics (formerly Invitae), Labcorp); PubMed 17407589 (cited by Labcorp Genetics (formerly Invitae), Labcorp); PubMed 20301442 (cited by Labcorp Genetics (formerly Invitae), Labcorp); PubMed 21203349 (cited by Labcorp Genetics (formerly Invitae), Labcorp).

NM_153676.4(USH1C):c.1020-2A>C

Gene: USH1C (USH1 protein network component harmonin; minus strand). Cytogenetic location: 11p15.1.
Variant type: single nucleotide variant.
Coding change: c.1020-2A>C on transcript NM_153676.4 (MANE Select); the canonical splice acceptor site of the intron before coding-DNA position 1020, A replaced by C.
Molecular consequence: splice acceptor variant.
Genome position (GRCh38, 1-based): chr11:17,521,413, T>G on the plus strand (A>C on the coding strand, the complement: USH1C is on the minus strand). VCF-style: chr11-17521413-T-G. GRCh37 (hg19) VCF-style: chr11-17542960-T-G.
Other names: c.963-2A>C (NM_001297764.2); c.1020-2A>C (NM_005709.4, NM_153676.3).
Identifiers: ClinVar variation 551676 (VCV000551676.13), dbSNP rs147956944, ClinGen allele CA5904742.
Genomic context (GRCh38, chr11:17,521,413, plus strand): 5'-TCTCCTTCCGGTATCTCTCATTTTCCTCTGCTGCCTTCTGGGCAATTTCTTTTCTCCTTC[T>G]GAAACACAAATGCAGATTGGCATGTTTGGCCCTATGCAAGAGAAATGAACTCTTCCTTAC-3'